The following is an entry in ClinVar:

ClinVar aggregate classification (germline): Conflicting classifications of pathogenicity. Review status: criteria provided, conflicting classifications (1 of 4 stars). 2 submissions from 2 submitters: Likely pathogenic (1); Uncertain significance (1). Last evaluated 2025-06-24.

Conditions:
Gamma-aminobutyric acid transaminase deficiency (GABATD). Also called: GABA transaminase deficiency; Gamma aminobutyrate transaminase deficiency; 4 alpha aminobutyrate transaminase deficiency; GABA aminotransaminase deficiency. Identifiers: Orphanet 2066, MedGen C0342708, MONDO:0013166, OMIM 613163.

Allele frequency attached by ClinVar (database versions not stated): ExAC 0.00001; gnomAD exomes 0.00001; ESP Exome Variant Server 0.00008.
gnomAD v4.1: 18 of 1,614,226 alleles (0.0011%); highest among the groups gnomAD compares: Non-Finnish European, 0.0015%; no homozygotes.

Submissions (2):

Victorian Clinical Genetics Services, Murdoch Childrens Research Institute
Classification: Likely pathogenic for Gamma-aminobutyric acid transaminase deficiency. Last evaluated: 2025-06-24. Review status: criteria provided, single submitter. Criteria: ACMG Guidelines, 2015. Collection method: clinical testing. Allele origin: germline. Affected: yes.
Comment: This variant is classified as Likely pathogenic. Evidence in support of pathogenic classification: Variant is present in gnomAD <0.01 for a recessive condition (v4: 18 heterozygote(s), 0 homozygote(s)) ; This variant has strong functional evidence supporting abnormal protein function. Quantitative proteomic analysis on this compound heterozygous individual's PBMCs showed undetectable levels of ABAT protein. Analysis of the father who is heterozygous for this variant showed approximately 46% ABAT protein abundance (MitoMDT Consortium, Victoria, Australia) - Missense variant predicted to be damaging by in silico tool(s) or highly conserved with a major amino acid change; Heterozygous variant detected in trans with a second PATHOGENIC heterozygous variant (NM_020686.6(ABAT):c.1031G>A; p.(Trp344*)) in a recessive disease. Additional information: Variant is predicted to result in a missense amino acid change from leucine to serine; This variant is heterozygous; This gene is associated with autosomal recessive disease; Alternative amino acid change(s) at the same position are present in gnomAD (Highest allele count: v4: 3 heterozygote(s), 0 homozygote(s)) ; Previous evidence of pathogenicity for this variant is inconclusive. This variant has been reported as a variant of uncertain significance in one unrelated individual (ClinVar); No published segregation evidence has been identified for this variant; No comparable missense variants have previous evidence for pathogenicity; Variant is located in the annotated aminotransferase class-III domain (DECIPHER); Loss of function is a known mechanism of disease in this gene and is associated with GABA-transaminase deficiency (MIM#613163) (PMID:27903293).

Labcorp Genetics (formerly Invitae), Labcorp
Classification: Uncertain significance for Gamma-aminobutyric acid transaminase deficiency. Last evaluated: 2022-08-20. Review status: criteria provided, single submitter. Criteria: Invitae Variant Classification Sherloc (09022015). Collection method: clinical testing. Allele origin: germline.
Comment: This sequence change replaces leucine, which is neutral and non-polar, with serine, which is neutral and polar, at codon 391 of the ABAT protein (p.Leu391Ser). This variant is present in population databases (rs376708126, gnomAD 0.0009%). This variant has not been reported in the literature in individuals affected with ABAT-related conditions. Algorithms developed to predict the effect of missense changes on protein structure and function are either unavailable or do not agree on the potential impact of this missense change (SIFT: "Deleterious"; PolyPhen-2: "Possibly Damaging"; Align-GVGD: "Class C0"). In summary, the available evidence is currently insufficient to determine the role of this variant in disease. Therefore, it has been classified as a Variant of Uncertain Significance.

Literature cited by the submitters: PubMed 27903293 (cited by Victorian Clinical Genetics Services, Murdoch Childrens Research Institute).

NM_020686.6(ABAT):c.1172T>C (p.Leu391Ser)

Gene: ABAT (4-aminobutyrate aminotransferase; plus strand). Cytogenetic location: 16p13.2.
Variant type: single nucleotide variant.
Coding change: c.1172T>C on transcript NM_020686.6 (MANE Select); coding-DNA position 1172, T replaced by C.
Protein change: p.Leu391Ser; replaces leucine 391 with serine.
Molecular consequence: missense variant.
Genome position (GRCh38, 1-based): chr16:8,776,393, T>C. VCF-style: chr16-8776393-T-C. GRCh37 (hg19) VCF-style: chr16-8870250-T-C.
Other names: c.1172T>C, p.Leu391Ser (NM_000663.5, NM_001127448.2, NM_001386600.1 and 6 more transcripts); c.1133T>C, p.Leu378Ser (NM_001386605.1); c.1109T>C, p.Leu370Ser (NM_001386606.1, NM_001386607.1); c.1079T>C, p.Leu360Ser (NM_001386608.1); c.1037T>C, p.Leu346Ser (NM_001386610.1, NM_001386611.1); c.974T>C, p.Leu325Ser (NM_001386612.1, NM_001386613.1); c.926T>C, p.Leu309Ser (NM_001386614.1); c.1268T>C, p.Leu423Ser (NM_001386615.1); and 1 more; short protein forms L360S, L370S, L325S, L378S, L346S, L309S, L391S, L423S.
Identifiers: ClinVar variation 2154243 (VCV002154243.4), dbSNP rs376708126, ClinGen allele CA7893453.